The following is an entry in ClinVar:

NM_000051.4(ATM):c.8857_8858del (p.Leu2953fs)

Genes: ATM (ATM serine/threonine kinase; plus strand), C11orf65 (chromosome 11 open reading frame 65; minus strand). Cytogenetic location: 11q22.3.
Variant type: Deletion.
Coding change: c.8857_8858del on transcript NM_000051.4 (MANE Select); coding-DNA positions 8857 to 8858, 2 bases deleted (CT; older notation c.8857_8858delCT).
Protein change: p.Leu2953fs; shifts the reading frame from leucine 2953.
Molecular consequence: frameshift variant. On other transcripts: intron variant (2).
Genome position (GRCh38, 1-based): chr11:108,365,088-108,365,089, CT deleted; deleting any 2 consecutive bases within chr11:108,365,087-108,365,089 gives the same sequence; the c. name uses the placement nearest the transcript's 3' end. VCF-style (leftmost placement, unchanged base first): chr11-108365086-TTC-T. GRCh37 (hg19) VCF-style: chr11-108235813-TTC-T.
Other names: c.8857_8858delCT, p.Leu2953Ilefs (NM_000051.3); c.8857_8858del, p.Leu2953fs (NM_001351834.2); c.640+20832_640+20833del (NM_001330368.2); c.694+20832_694+20833del (NM_001351110.2); short protein forms L2953fs.
Identifiers: ClinVar variation 859815 (VCV000859815.11), dbSNP rs2091198449, ClinGen allele CA476745169.
Genomic context (GRCh38, chr11:108,365,086, plus strand): 5'-AAGTATGTGATTAAAATGTACATTGTTCTTTTAATACATATGTTCTCTCTGTTTAGGTCC[TTC>T]TATATGATCCACTCTTTGACTGGACCATGAATCCTTTGAAAGCTTTGTATTTACAGCAGA-3'

ClinVar aggregate classification (germline): Pathogenic. Review status: criteria provided, multiple submitters, no conflicts (2 of 4 stars). 3 submissions from 3 submitters: Pathogenic (3). Last evaluated 2026-04-13.

Conditions:
Familial cancer of breast. Also called: Hereditary breast cancer; BREAST CANCER, FAMILIAL; hereditary breast carcinoma. Identifiers: Orphanet 227535, MedGen C0346153, MONDO:0016419, OMIM 114480. Disease mechanism: loss of function.
Hereditary cancer-predisposing syndrome. Also called: Tumor predisposition; Neoplastic Syndromes, Hereditary; Hereditary Cancer Syndrome; Hereditary neoplastic syndrome. Identifiers: Orphanet 140162, MedGen C0027672, MeSH D009386, MONDO:0015356.
Ataxia-telangiectasia syndrome (AT). Also called: ATAXIA-TELANGIECTASIA, COMPLEMENTATION GROUP A; ATAXIA-TELANGIECTASIA, FRESNO VARIANT; Ataxia-telangiectasia; Ataxia-telangiectasia, complementation group D; AT, COMPLEMENTATION GROUP C; Ataxia-telangiectasia, complementation group E. Identifiers: Orphanet 100, MedGen C0004135, MONDO:0008840, OMIM 208900.

Submissions (3):

Ambry Genetics
Classification: Pathogenic for Hereditary cancer-predisposing syndrome. Last evaluated: 2026-04-13. Review status: criteria provided, single submitter. Criteria: Ambry Variant Classification Scheme 2023. Collection method: clinical testing. Allele origin: germline.
Comment: The c.8857_8858delCT pathogenic mutation, located in coding exon 61 of the ATM gene, results from a deletion of two nucleotides at nucleotide positions 8857 to 8858, causing a translational frameshift with a predicted alternate stop codon (p.L2953Ifs*2). This variant is considered to be rare based on population cohorts in the Genome Aggregation Database (gnomAD). This alteration is expected to result in loss of function by premature protein truncation or nonsense-mediated mRNA decay. As such, this alteration is interpreted as a disease-causing mutation.

Labcorp Genetics (formerly Invitae), Labcorp
Classification: Pathogenic for Ataxia-telangiectasia syndrome. Last evaluated: 2024-12-19. Review status: criteria provided, single submitter. Criteria: Invitae Variant Classification Sherloc (09022015). Collection method: clinical testing. Allele origin: germline.
Comment: This sequence change creates a premature translational stop signal (p.Leu2953Ilefs*2) in the ATM gene. It is expected to result in an absent or disrupted protein product. Loss-of-function variants in ATM are known to be pathogenic (PMID: 23807571, 25614872). This variant is not present in population databases (gnomAD no frequency). This variant has not been reported in the literature in individuals affected with ATM-related conditions. ClinVar contains an entry for this variant (Variation ID: 859815). For these reasons, this variant has been classified as Pathogenic.

Myriad Genetics, Inc.
Classification: Pathogenic for Familial cancer of breast. Last evaluated: 2024-02-06. Review status: criteria provided, single submitter. Criteria: Myriad Autosomal Dominant, Autosomal Recessive and X-Linked Classification Criteria (2023). Collection method: clinical testing. Allele origin: unknown.
Comment: This variant is considered pathogenic. This variant creates a frameshift predicted to result in premature protein truncation.

Literature cited by the submitters: PubMed 23807571 (cited by Labcorp Genetics (formerly Invitae), Labcorp); PubMed 25614872 (cited by Labcorp Genetics (formerly Invitae), Labcorp).